The following is an entry in ClinVar:

NM_000501.4(ELN):c.1426G>C (p.Gly476Arg)

Genes: ELN (elastin; plus strand), ELN-AS1 (ELN antisense RNA 1; minus strand). Cytogenetic location: 7q11.23.
Variant type: single nucleotide variant.
Coding change: c.1426G>C on transcript NM_000501.4 (MANE Select); coding-DNA position 1426, G replaced by C.
Protein change: p.Gly476Arg; replaces glycine 476 with arginine.
Molecular consequence: missense variant. On other transcripts: non-coding transcript variant (1).
Genome position (GRCh38, 1-based): chr7:74,059,897, G>C. VCF-style: chr7-74059897-G-C. GRCh37 (hg19) VCF-style: chr7-73474227-G-C.
Other names: c.1339G>C, p.Gly447Arg (NM_001081752.3); c.1384G>C, p.Gly462Arg (NM_001081753.3); c.1441G>C, p.Gly481Arg (NM_001081754.3); c.1369G>C, p.Gly457Arg (NM_001081755.3); c.1426G>C, p.Gly476Arg (NM_001278912.2); c.1183G>C, p.Gly395Arg (NM_001278913.2); c.1354G>C, p.Gly452Arg (NM_001278914.2); c.1444G>C, p.Gly482Arg (NM_001278915.2); and 4 more; short protein forms G447R, G457R, G395R, G443R, G452R, G387R, G462R, G482R.
Identifiers: ClinVar variation 4698164 (VCV004698164.1).
Genomic context (GRCh38, chr7:74,059,897, plus strand): 5'-CCTCTTTGATCAGGTCTTGGTTAATGATCAGCTCTTCTCAATCTTGCAGGGTTAGTTCCT[G>C]GTGTCGGCGTGGCTCCTGGAGTTGGCGTGGCTCCTGGTGTCGGTGTGGCTCCTGGAGTTG-3'
Protein context (NP_000492.2, residues 466-486): AKAAQFGLVP[Gly476Arg]VGVAPGVGVA

ClinVar aggregate classification (germline): Uncertain significance (1 of 4 stars; one submission).

Conditions:
Supravalvar aortic stenosis (SVAS). Also called: Supravalvar aortic stenosis, Eisenberg type. Identifiers: Orphanet 3193, MedGen C0003499, MONDO:0008504, OMIM 185500, HP:0004381.

gnomAD v4.1: 2 of 1,337,010 alleles (0.00015%); highest among the groups gnomAD compares: Non-Finnish European, 0.00022%; no homozygotes.

Submission:

Labcorp Genetics (formerly Invitae), Labcorp
Classification: Uncertain significance for Supravalvar aortic stenosis. Last evaluated: 2025-12-29. Review status: criteria provided, single submitter. Criteria: Invitae Variant Classification Sherloc (09022015). Collection method: clinical testing. Allele origin: germline.
Comment: This sequence change replaces glycine, which is neutral and non-polar, with arginine, which is basic and polar, at codon 505 of the ELN protein (p.Gly505Arg). This variant is present in population databases (rs782378090, gnomAD 0.0009%). This variant has not been reported in the literature in individuals affected with ELN-related conditions. Invitae Evidence Modeling of protein sequence and biophysical properties (such as structural, functional, and spatial information, amino acid conservation, physicochemical variation, residue mobility, and thermodynamic stability) indicates that this missense variant is not expected to disrupt ELN protein function with a negative predictive value of 80%. In summary, the available evidence is currently insufficient to determine the role of this variant in disease. Therefore, it has been classified as a Variant of Uncertain Significance.